The following is an entry in ClinVar:

NM_000321.3(RB1):c.157_158del (p.Glu53fs)

Gene: RB1 (RB transcriptional corepressor 1; plus strand). Cytogenetic location: 13q14.2.
Variant type: Deletion.
Coding change: c.157_158del on transcript NM_000321.3 (MANE Select); coding-DNA positions 157 to 158, 2 bases deleted (GA; older notation c.157_158delGA).
Protein change: p.Glu53fs; shifts the reading frame from glutamic acid 53.
Molecular consequence: frameshift variant.
Genome position (GRCh38, 1-based): chr13:48,307,299-48,307,300, GA deleted; deleting any 2 consecutive bases within chr13:48,307,298-48,307,300 gives the same sequence; the c. name uses the placement nearest the transcript's 3' end. VCF-style (leftmost placement, unchanged base first): chr13-48307297-CAG-C. GRCh37 (hg19) VCF-style: chr13-48881433-CAG-C.
Other names: c.157_158del, p.Glu53fs (NM_001407165.1, NM_001407166.1, NM_001407167.1); short protein forms E53fs.
Identifiers: ClinVar variation 2842056 (VCV002842056.4), dbSNP rs2542099907, ClinGen allele CA2499214006.

ClinVar aggregate classification (germline): Pathogenic. Review status: criteria provided, multiple submitters, no conflicts (2 of 4 stars). 2 submissions from 2 submitters: Pathogenic (2). Last evaluated 2024-05-20.

Conditions:
Retinoblastoma (RB1). Also called: RETINOBLASTOMA, SOMATIC. Identifiers: Orphanet 790, MedGen C0035335, MeSH D012175, MONDO:0008380, OMIM 180200, HP:0009919. Disease mechanism: loss of function. Inheritance: Both sporadic and heritable forms are tested..

Submissions (2):

Genetic Diagnostic Laboratory, University of Pennsylvania School of Medicine
Classification: Pathogenic for Retinoblastoma. Last evaluated: 2024-05-20. Review status: criteria provided, single submitter. Criteria: ACMG Guidelines, 2015. Collection method: clinical testing. Allele origin: germline. Affected: yes. Observed: 2 variant alleles.
Comment: Case and Pedigree Information: BILATERAL CASES:1, UNILATERAL CASES:1, TOTAL CASES:2, PEDIGREES:1. ACMG Codes Applied:PVS1, PM2

Labcorp Genetics (formerly Invitae), Labcorp
Classification: Pathogenic for Retinoblastoma. Last evaluated: 2024-04-29. Review status: criteria provided, single submitter. Criteria: Invitae Variant Classification Sherloc (09022015). Collection method: clinical testing. Allele origin: germline.
Comment: This sequence change creates a premature translational stop signal (p.Glu53Argfs*3) in the RB1 gene. It is expected to result in an absent or disrupted protein product. Loss-of-function variants in RB1 are known to be pathogenic (PMID: 17096365). This variant is not present in population databases (gnomAD no frequency). This variant has not been reported in the literature in individuals affected with RB1-related conditions. For these reasons, this variant has been classified as Pathogenic.

Literature cited by the submitters: PubMed 17096365 (cited by Labcorp Genetics (formerly Invitae), Labcorp).